The following is an entry in ClinVar:

ClinVar aggregate classification (germline): Uncertain significance (1 of 4 stars; one submission).

Conditions:
Kleefstra syndrome 1 (KLEFS1). Identifiers: Orphanet 261494, MedGen C0795833, MONDO:0027407, OMIM 610253.

gnomAD v4.1: 2 of 1,609,228 alleles (0.00012%); highest among the groups gnomAD compares: Admixed American, 0.0033%; no homozygotes.

Submission:

Labcorp Genetics (formerly Invitae), Labcorp
Classification: Uncertain significance for Kleefstra syndrome 1. Last evaluated: 2025-09-02. Review status: criteria provided, single submitter. Criteria: Invitae Variant Classification Sherloc (09022015). Collection method: clinical testing. Allele origin: germline.
Comment: This sequence change replaces alanine, which is neutral and non-polar, with valine, which is neutral and non-polar, at codon 934 of the EHMT1 protein (p.Ala934Val). This variant is not present in population databases (gnomAD no frequency). This variant has not been reported in the literature in individuals affected with EHMT1-related conditions. ClinVar contains an entry for this variant (Variation ID: 3694471). Invitae Evidence Modeling of protein sequence and biophysical properties (such as structural, functional, and spatial information, amino acid conservation, physicochemical variation, residue mobility, and thermodynamic stability) indicates that this missense variant is not expected to disrupt EHMT1 protein function with a negative predictive value of 80%. In summary, the available evidence is currently insufficient to determine the role of this variant in disease. Therefore, it has been classified as a Variant of Uncertain Significance.

NM_024757.5(EHMT1):c.2801C>T (p.Ala934Val)

Gene: EHMT1 (euchromatic histone lysine methyltransferase 1; plus strand). Cytogenetic location: 9q34.3.
Variant type: single nucleotide variant.
Coding change: c.2801C>T on transcript NM_024757.5 (MANE Select); coding-DNA position 2801, C replaced by T.
Protein change: p.Ala934Val; replaces alanine 934 with valine.
Molecular consequence: missense variant.
Genome position (GRCh38, 1-based): chr9:137,811,549, C>T. VCF-style: chr9-137811549-C-T. GRCh37 (hg19) VCF-style: chr9-140706001-C-T.
Other names: c.2780C>T, p.Ala927Val (NM_001354263.2); short protein forms A927V, A934V.
Identifiers: ClinVar variation 3694471 (VCV003694471.2).